The following is an entry in ClinVar:

NM_025237.3(SOST):c.376C>T (p.Arg126Ter)

Gene: SOST (sclerostin; minus strand). Cytogenetic location: 17q21.31.
Variant type: single nucleotide variant.
Coding change: c.376C>T on transcript NM_025237.3 (MANE Select); coding-DNA position 376, C replaced by T.
Protein change: p.Arg126Ter; replaces arginine 126 with a stop codon.
Molecular consequence: nonsense.
Genome position (GRCh38, 1-based): chr17:43,755,608, G>A on the plus strand (C>T on the coding strand, the complement: SOST is on the minus strand). VCF-style: chr17-43755608-G-A. GRCh37 (hg19) VCF-style: chr17-41832976-G-A.
Other names: short protein forms R126*.
Identifiers: ClinVar variation 4786 (VCV000004786.3), dbSNP rs104894645, ClinGen allele CA253293.

ClinVar aggregate classification (germline): Pathogenic. Review status: no assertion criteria provided (0 of 4 stars). 2 submissions from 2 submitters: Pathogenic (1). 1 of the submissions does not count toward it. Last evaluated 2001-03-01.

Conditions:
Sclerosteosis 1 (SOST1). Also called: CORTICAL HYPEROSTOSIS WITH SYNDACTYLY. Identifiers: Orphanet 3152, MedGen C4551483, MONDO:0010016, OMIM 269500.

Submissions (2):

OMIM
Classification: Pathogenic for SCLEROSTEOSIS 1. Last evaluated: 2001-03-01. Review status: no assertion criteria provided. Collection method: literature only. Allele origin: germline.

GeneReviews
No classification provided. Condition: Sclerosteosis 1. Review status: no classification provided. Collection method: literature only. Allele origin: germline. Not counted in ClinVar's aggregate classification.
Comment: Founder variant in US (one kindred of mixed ancestry from Maryland) [Balemans et al 2001]

Literature cited by the submitters: PubMed 11181578 (cited by OMIM and GeneReviews); NCBI Bookshelf NBK1228 (cited by GeneReviews).